The following is an entry in ClinVar:

NM_001365088.1(SLC12A6):c.47del (p.Met16fs)

Gene: SLC12A6 (solute carrier family 12 member 6; minus strand). Cytogenetic location: 15q14.
Variant type: Deletion.
Coding change: c.47del on transcript NM_001365088.1 (MANE Select); coding-DNA position 47, one base deleted (T; older notation c.47delT).
Protein change: p.Met16fs; shifts the reading frame from methionine 16.
Molecular consequence: frameshift variant. On other transcripts: intron variant (2).
Genome position (GRCh38, 1-based): chr15:34,336,634, A deleted on the plus strand (T on the coding strand, the reverse complement: SLC12A6 is on the minus strand). VCF-style (leftmost placement, unchanged base first): chr15-34336633-CA-C. GRCh37 (hg19) VCF-style: chr15-34628834-CA-C.
Other names: c.20del, p.Met7fs (NM_001042496.2); c.47del, p.Met16fs (NM_001042497.2, NM_133647.2); c.-98-33del (NM_001042495.2, NM_001042494.2); short protein forms M16fs, M7fs.
Identifiers: ClinVar variation 2813087 (VCV002813087.3), dbSNP rs2510086646, ClinGen allele CA2739278052.

ClinVar aggregate classification (germline): Pathogenic (1 of 4 stars; one submission).

Submission:

Labcorp Genetics (formerly Invitae), Labcorp
Classification: Pathogenic. Last evaluated: 2022-11-09. Review status: criteria provided, single submitter. Criteria: Invitae Variant Classification Sherloc (09022015). Collection method: clinical testing. Allele origin: germline.
Comment: This variant is not present in population databases (gnomAD no frequency). This sequence change creates a premature translational stop signal (p.Met16Argfs*2) in the SLC12A6 gene. It is expected to result in an absent or disrupted protein product. Loss-of-function variants in SLC12A6 are known to be pathogenic (PMID: 12368912, 16606917). This variant has not been reported in the literature in individuals affected with SLC12A6-related conditions. For these reasons, this variant has been classified as Pathogenic.

Literature cited by the submitters: PubMed 12368912; PubMed 16606917.